The following is an entry in ClinVar:

ClinVar aggregate classification (germline): Benign/Likely benign. Review status: criteria provided, multiple submitters, no conflicts (2 of 4 stars). 4 submissions from 4 submitters: Benign (2); Likely benign (2). Last evaluated 2026-01-28.

Conditions:
Hypoparathyroidism-retardation-dysmorphism syndrome (HRDS). Also called: SANJAD-SAKATI SYNDROME. Identifiers: Orphanet 2323, MedGen C1855840, MONDO:0009426, OMIM 241410.

Allele frequency attached by ClinVar (database versions not stated): gnomAD 0.01018 and 0.00944; 1000 Genomes Project 0.01058; TOPMed 0.01117; 1000 Genomes Project 30x 0.01140; gnomAD exomes 0.00093 and 0.00252; ExAC 0.00307; ESP Exome Variant Server 0.00953.
gnomAD v4.1: 2,883 of 1,614,094 alleles (0.18%); highest among the groups gnomAD compares: African/African-American, 3.4%; 47 homozygotes.

Submissions (4):

Labcorp Genetics (formerly Invitae), Labcorp
Classification: Benign. Last evaluated: 2026-01-28. Review status: criteria provided, single submitter. Criteria: Invitae Variant Classification Sherloc (09022015). Collection method: clinical testing. Allele origin: germline.

Illumina Laboratory Services, Illumina
Classification: Benign for Hypoparathyroidism-retardation-dysmorphism syndrome. Last evaluated: 2018-01-12. Review status: criteria provided, single submitter. Criteria: ICSL Variant Classification Criteria 13 December 2019. Collection method: clinical testing. Allele origin: germline.
Comment: This variant was observed in the ICSL laboratory as part of a predisposition screen in an ostensibly healthy population. It had not been previously curated by ICSL or reported in the Human Gene Mutation Database (HGMD: prior to June 1st, 2018), and was therefore a candidate for classification through an automated scoring system. Utilizing variant allele frequency, disease prevalence and penetrance estimates, and inheritance mode, an automated score was calculated to assess if this variant is too frequent to cause the disease. Based on the score and internal cut-off values, a variant classified as benign is not then subjected to further curation. The score for this variant resulted in a classification of benign for this disease.

Center for Pediatric Genomic Medicine, Children's Mercy Hospital and Clinics
Classification: Likely benign. Last evaluated: 2015-09-29. Review status: criteria provided, single submitter. Criteria: ACMG Guidelines, 2015. Collection method: clinical testing. Allele origin: germline.
ClinVar note: Converted during submission from Likely Benign to Likely benign.

Breakthrough Genomics
Classification: Likely benign. Review status: criteria provided, single submitter. Criteria: ACMG Guidelines, 2015. Collection method: not provided. Allele origin: germline. Inheritance: Autosomal recessive inheritance. Affected: yes.

NM_003193.5(TBCE):c.998G>C (p.Ser333Thr)

Gene: TBCE (tubulin folding cofactor E; plus strand). Cytogenetic location: 1q42.3.
Variant type: single nucleotide variant.
Coding change: c.998G>C on transcript NM_003193.5 (MANE Select); coding-DNA position 998, G replaced by C.
Protein change: p.Ser333Thr; replaces serine 333 with threonine.
Molecular consequence: missense variant.
Genome position (GRCh38, 1-based): chr1:235,437,356, G>C. VCF-style: chr1-235437356-G-C. GRCh37 (hg19) VCF-style: chr1-235600671-G-C.
Other names: c.998G>C, p.Ser333Thr (NM_001079515.3); c.1151G>C, p.Ser384Thr (NM_001287801.2); c.659G>C, p.Ser220Thr (NM_001287802.2); short protein forms S333T, S384T, S220T.
Identifiers: ClinVar variation 235262 (VCV000235262.17), dbSNP rs35579976, ClinGen allele CA1464313.